The following is an entry in ClinVar:

ClinVar aggregate classification (germline): Likely pathogenic (1 of 4 stars; one submission).

Submission:

Labcorp Genetics (formerly Invitae), Labcorp
Classification: Likely pathogenic. Last evaluated: 2023-04-02. Review status: criteria provided, single submitter. Criteria: Invitae Variant Classification Sherloc (09022015). Collection method: clinical testing. Allele origin: germline.
Comment: This variant is present in population databases (rs765977046, gnomAD 0.006%). This sequence change affects a splice site in intron 34 of the ADGRV1 gene. It is expected to disrupt RNA splicing. Variants that disrupt the donor or acceptor splice site typically lead to a loss of protein function (PMID: 16199547), and loss-of-function variants in ADGRV1 are known to be pathogenic (PMID: 19357117, 22135276, 22147658, 26226137, 30718709, 31047384, 32467589). This variant has not been reported in the literature in individuals affected with ADGRV1-related conditions. In summary, the currently available evidence indicates that the variant is pathogenic, but additional data are needed to prove that conclusively. Therefore, this variant has been classified as Likely Pathogenic. Algorithms developed to predict the effect of sequence changes on RNA splicing suggest that this variant may disrupt the consensus splice site.

Literature cited by the submitters: PubMed 16199547; PubMed 19357117; PubMed 22135276; PubMed 22147658; PubMed 26226137; PubMed 30718709; PubMed 31047384; PubMed 32467589.

NM_032119.4(ADGRV1):c.8155+2_8155+3del

Gene: ADGRV1 (adhesion G protein-coupled receptor V1; plus strand). Cytogenetic location: 5q14.3.
Variant type: Deletion.
Coding change: c.8155+2_8155+3del on transcript NM_032119.4 (MANE Select); the canonical splice donor site of the intron after coding-DNA position 8155 through 3 bases into the intron after coding-DNA position 8155, 2 bases deleted (TG; older notation c.8155+2_8155+3delTG).
Molecular consequence: splice donor variant.
Genome position (GRCh38, 1-based): chr5:90,697,148-90,697,149, TG deleted; deleting any 2 consecutive bases within chr5:90,697,147-90,697,149 gives the same sequence; the c. name uses the placement nearest the transcript's 3' end. VCF-style (leftmost placement, unchanged base first): chr5-90697146-GGT-G. GRCh37 (hg19) VCF-style: chr5-89992963-GGT-G.
Identifiers: ClinVar variation 2851590 (VCV002851590.3), dbSNP rs765977046, ClinGen allele CA3340171.